The following is an entry in ClinVar:

ClinVar aggregate classification (germline): Likely benign. Review status: criteria provided, multiple submitters, no conflicts (2 of 4 stars). 4 submissions from 3 submitters: Likely benign (4). Last evaluated 2023-11-04.

Conditions:
Retinitis pigmentosa 39 (RP39). Identifiers: Orphanet 791, MedGen C3151138, MONDO:0013436, OMIM 613809.
Usher syndrome type 2A. Also called: USHER SYNDROME, TYPE IIA; RETINAL DISEASE IN USHER SYNDROME TYPE IIA, MODIFIER OF. Identifiers: Orphanet 231178, Orphanet 886, MedGen C1848634, MONDO:0010169, OMIM 276901.

Allele frequency attached by ClinVar (database versions not stated): gnomAD exomes below 0.00001 and 0.00001; ExAC 0.00001; gnomAD 0.00001; TOPMed 0.00001.
gnomAD v4.1: 13 of 1,613,642 alleles (0.00081%); highest among the groups gnomAD compares: African/African-American, 0.0027%; no homozygotes.

Submissions (4):

Genome-Nilou Lab
Classification: Likely benign for Retinitis pigmentosa 39. Last evaluated: 2023-11-04. Review status: criteria provided, single submitter. Criteria: ACMG Guidelines, 2015. Collection method: clinical testing. Allele origin: germline. Affected: no.

Genome-Nilou Lab
Classification: Likely benign for Usher syndrome type 2A. Last evaluated: 2023-11-04. Review status: criteria provided, single submitter. Criteria: ACMG Guidelines, 2015. Collection method: clinical testing. Allele origin: germline. Affected: no.

Labcorp Genetics (formerly Invitae), Labcorp
Classification: Likely benign. Last evaluated: 2023-04-09. Review status: criteria provided, single submitter. Criteria: Invitae Variant Classification Sherloc (09022015). Collection method: clinical testing. Allele origin: germline.

GeneDx
Classification: Likely benign. Last evaluated: 2018-04-17. Review status: criteria provided, single submitter. Criteria: GeneDx Variant Classification (06012015). Collection method: clinical testing. Allele origin: germline. Affected: yes.
Comment: This variant is considered likely benign or benign based on one or more of the following criteria: it is a conservative change, it occurs at a poorly conserved position in the protein, it is predicted to be benign by multiple in silico algorithms, and/or has population frequency not consistent with disease.

NM_206933.4(USH2A):c.2169G>A (p.Gly723=)

Gene: USH2A (usherin; minus strand). Cytogenetic location: 1q41.
Variant type: single nucleotide variant.
Coding change: c.2169G>A on transcript NM_206933.4 (MANE Select); coding-DNA position 2169, G replaced by A.
Protein change: p.Gly723=; no amino-acid change (glycine 723 retained).
Molecular consequence: synonymous variant.
Genome position (GRCh38, 1-based): chr1:216,247,225, C>T on the plus strand (G>A on the coding strand, the complement: USH2A is on the minus strand). VCF-style: chr1-216247225-C-T. GRCh37 (hg19) VCF-style: chr1-216420567-C-T.
Other names: c.2169G>A, p.Gly723= (NM_007123.6).
Identifiers: ClinVar variation 681555 (VCV000681555.9), dbSNP rs751156464, ClinGen allele CA1396272.